The following is an entry in ClinVar:

ClinVar aggregate classification (germline): Uncertain significance (1 of 4 stars; one submission).

Submission:

Labcorp Genetics (formerly Invitae), Labcorp
Classification: Uncertain significance. Last evaluated: 2024-11-05. Review status: criteria provided, single submitter. Criteria: Invitae Variant Classification Sherloc (09022015). Collection method: clinical testing. Allele origin: germline.
Comment: This variant, c.2582_2584del, results in the deletion of 1 amino acid(s) of the ABCC6 protein (p.Gly861del), but otherwise preserves the integrity of the reading frame. This variant is not present in population databases (gnomAD no frequency). This variant has not been reported in the literature in individuals affected with ABCC6-related conditions. Experimental studies and prediction algorithms are not available or were not evaluated, and the functional significance of this variant is currently unknown. In summary, the available evidence is currently insufficient to determine the role of this variant in disease. Therefore, it has been classified as a Variant of Uncertain Significance.

NM_001171.6(ABCC6):c.2579GAG[1] (p.Gly861del)

Gene: ABCC6 (ATP binding cassette subfamily C member 6; minus strand). Cytogenetic location: 16p13.11.
Variant type: Microsatellite.
Coding change: c.2579GAG[1] on transcript NM_001171.6 (MANE Select); one copy of the 3-base unit GAG starting at c.2579; the reference has two copies in a row; one copy, 3 bases deleted.
Protein change: p.Gly861del; deletes glycine 861.
Molecular consequence: inframe deletion.
Genome position (GRCh38, 1-based): chr16:16,177,458-16,177,460, CTC deleted on the plus strand (GAG on the coding strand, the reverse complement: ABCC6 is on the minus strand); deleting any 3 consecutive bases within chr16:16,177,458-16,177,463 gives the same sequence; the position shown is the placement nearest the transcript's 3' end. VCF-style (leftmost placement, unchanged base first): chr16-16177457-TCTC-T. GRCh37 (hg19) VCF-style: chr16-16271314-TCTC-T.
Other names: c.2237GAG[1], p.Gly747del (NM_001351800.1); short protein forms G861del, G747del.
Identifiers: ClinVar variation 1966704 (VCV001966704.4), dbSNP rs2510991217, ClinGen allele CA2580612731.